The following is an entry in ClinVar:

NM_003722.5(TP63):c.*2002T>G

Gene: TP63 (tumor protein p63; plus strand). Cytogenetic location: 3q28.
Variant type: single nucleotide variant.
Coding change: c.*2002T>G on transcript NM_003722.5 (MANE Select); 2002 bases downstream of the stop codon, T replaced by G.
Molecular consequence: 3 prime UTR variant.
Genome position (GRCh38, 1-based): chr3:189,896,504, T>G. VCF-style: chr3-189896504-T-G. GRCh37 (hg19) VCF-style: chr3-189614293-T-G.
Other names: c.*2283T>G (NM_001114978.2, NM_001114981.2); c.*2002T>G (NM_001114980.2, NM_001329146.2, NM_001329148.2 and 1 more transcripts); c.*2273T>G (NM_001329144.2, NM_001329145.2, NM_001329149.2 and 1 more transcripts).
Identifiers: ClinVar variation 344421 (VCV000344421.38), dbSNP rs35969817, ClinGen allele CA10617826.

ClinVar aggregate classification (germline): Benign/Likely benign. Review status: criteria provided, multiple submitters, no conflicts (2 of 4 stars). 5 submissions from 3 submitters: Benign (2); Likely benign (3). Last evaluated 2023-04-01.

Conditions:
Orofacial cleft 8. Also called: Cleft lip with or without cleft palate, nonsyndromic, 8. Identifiers: MedGen C1851878, MONDO:0029145, OMIM 618149.
Ectrodactyly, ectodermal dysplasia, and cleft lip-palate syndrome 3. Also called: EEC SYNDROME 3; Ectrodactyly, Ectodermal Dysplasia, Cleft Lip/Palate Syndrome 3 (EEC3); Ectrodactyly, Ectodermal Dysplasia, Clefting Syndrome; Ectrodactyly, Ectodermal Dysplasia, Clefting Syndrome Type 3 (EEC3). Identifiers: Orphanet 1896, MedGen C1858562, MONDO:0011428, OMIM 604292.
TP63-Related Spectrum Disorders.

Allele frequency attached by ClinVar (database versions not stated): 1000 Genomes Project 30x 0.00344; 1000 Genomes Project 0.00359; gnomAD 0.00439 and 0.00452; TOPMed 0.00447; gnomAD exomes 0.00715.
gnomAD v4.1: 1,086 of 206,928 alleles (0.52%); highest among the groups gnomAD compares: Middle Eastern, 1.6%; 8 homozygotes.

Submissions (5):

CeGaT Center for Human Genetics Tuebingen
Classification: Likely benign. Last evaluated: 2023-04-01. Review status: criteria provided, single submitter. Criteria: CeGaT Center For Human Genetics Tuebingen Variant Classification Criteria Version 2. Collection method: clinical testing. Allele origin: germline. Affected: yes. Observed: 4 variant alleles.
Comment: TP63: BS1

Illumina Laboratory Services, Illumina
Classification: Likely benign for Orofacial cleft 8. Last evaluated: 2018-01-12. Review status: criteria provided, single submitter. Criteria: ICSL Variant Classification Criteria 13 December 2019. Collection method: clinical testing. Allele origin: germline.
Comment: This variant was observed in the ICSL laboratory as part of a predisposition screen in an ostensibly healthy population. It had not been previously curated by ICSL or reported in the Human Gene Mutation Database (HGMD: prior to June 1st, 2018), and was therefore a candidate for classification through an automated scoring system. Utilizing variant allele frequency, disease prevalence and penetrance estimates, and inheritance mode, an automated score was calculated to assess if this variant is too frequent to cause the disease. Based on the score and internal cut-off values, a variant classified as likely benign is not then subjected to further curation. The score for this variant resulted in a classification of likely benign for this disease.

Illumina Laboratory Services, Illumina
Classification: Benign for TP63-Related Spectrum Disorders. Last evaluated: 2018-01-12. Review status: criteria provided, single submitter. Criteria: ICSL Variant Classification Criteria 13 December 2019. Collection method: clinical testing. Allele origin: germline.
Comment: This variant was observed in the ICSL laboratory as part of a predisposition screen in an ostensibly healthy population. It had not been previously curated by ICSL or reported in the Human Gene Mutation Database (HGMD: prior to June 1st, 2018), and was therefore a candidate for classification through an automated scoring system. Utilizing variant allele frequency, disease prevalence and penetrance estimates, and inheritance mode, an automated score was calculated to assess if this variant is too frequent to cause the disease. Based on the score and internal cut-off values, a variant classified as benign is not then subjected to further curation. The score for this variant resulted in a classification of benign for this disease.

Illumina Laboratory Services, Illumina
Classification: Benign for Ectrodactyly, ectodermal dysplasia, and cleft lip-palate syndrome 3. Last evaluated: 2018-01-12. Review status: criteria provided, single submitter. Criteria: ICSL Variant Classification Criteria 13 December 2019. Collection method: clinical testing. Allele origin: germline.
Comment: the same text as in the submission from Illumina Laboratory Services, Illumina above.

Breakthrough Genomics
Classification: Likely benign. Review status: criteria provided, single submitter. Criteria: ACMG Guidelines, 2015. Collection method: not provided. Allele origin: germline. Inheritance: Autosomal dominant inheritance. Affected: yes.